The following is an entry in ClinVar:

ClinVar aggregate classification (germline): Likely benign. Review status: criteria provided, multiple submitters, no conflicts (2 of 4 stars). 5 submissions from 5 submitters: Likely benign (4). 1 of the submissions does not count toward it. Last evaluated 2025-12-03.

Conditions:
PLK4-related disorder. Also called: PLK4-related condition.

Allele frequency attached by ClinVar (database versions not stated): ESP Exome Variant Server 0.00008; gnomAD exomes 0.00009; TOPMed 0.00009; ExAC 0.00011; gnomAD 0.00012 and 0.00013; 1000 Genomes Project 0.00040; 1000 Genomes Project 30x 0.00047.
gnomAD v4.1: 160 of 1,614,096 alleles (0.0099%); highest among the groups gnomAD compares: Middle Eastern, 0.017%; no homozygotes.

Submissions (5):

Labcorp Genetics (formerly Invitae), Labcorp
Classification: Likely benign. Last evaluated: 2025-12-03. Review status: criteria provided, single submitter. Criteria: Invitae Variant Classification Sherloc (09022015). Collection method: clinical testing. Allele origin: germline.

CeGaT Center for Human Genetics Tuebingen
Classification: Likely benign. Last evaluated: 2024-12-01. Review status: criteria provided, single submitter. Criteria: CeGaT Center For Human Genetics Tuebingen Variant Classification Criteria Version 2. Collection method: clinical testing. Allele origin: germline. Affected: yes. Observed: 3 variant alleles.
Comment: PLK4: BP4, BP7

Blueprint Genetics
Classification: Likely benign. Last evaluated: 2024-09-19. Review status: criteria provided, single submitter. Criteria: ACMG Guidelines, 2015. Collection method: clinical testing. Allele origin: germline.

Genetic Services Laboratory, University of Chicago
Classification: Likely benign. Last evaluated: 2020-07-30. Review status: criteria provided, single submitter. Criteria: ACMG Guidelines, 2015. Collection method: clinical testing. Allele origin: germline. Affected: no.

PreventionGenetics, part of Exact Sciences
Classification: Likely benign for PLK4-related condition. Last evaluated: 2020-01-09. Review status: no assertion criteria provided. Collection method: clinical testing. Allele origin: germline. Not counted in ClinVar's aggregate classification.
Comment: This variant is classified as likely benign based on ACMG/AMP sequence variant interpretation guidelines (Richards et al. 2015 PMID: 25741868, with internal and published modifications).

NM_014264.5(PLK4):c.618C>T (p.Ile206=)

Gene: PLK4 (polo like kinase 4; plus strand). Cytogenetic location: 4q28.1.
Variant type: single nucleotide variant.
Coding change: c.618C>T on transcript NM_014264.5 (MANE Select); coding-DNA position 618, C replaced by T.
Protein change: p.Ile206=; no amino-acid change (isoleucine 206 retained).
Molecular consequence: synonymous variant.
Genome position (GRCh38, 1-based): chr4:127,885,988, C>T. VCF-style: chr4-127885988-C-T. GRCh37 (hg19) VCF-style: chr4-128807143-C-T.
Other names: c.522C>T, p.Ile174= (NM_001190799.2); c.495C>T, p.Ile165= (NM_001190801.2).
Identifiers: ClinVar variation 1158801 (VCV001158801.37), dbSNP rs199907384, ClinGen allele CA3076603.
Genomic context (GRCh38, chr4:127,885,988, plus strand): 5'-TGCACATGGCCTTGAATCTGATGTTTGGTCCCTGGGCTGTATGTTTTATACATTACTTAT[C>T]GGGAGACCACCCTTCGACACTGACACAGTCAAGAACACATTAAATAAAGTAGTATTGGCA-3'
Protein context (NP_055079.3, residues 196-216): SLGCMFYTLL[Ile206=]GRPPFDTDTV